The following is an entry in ClinVar:

NM_000108.5(DLD):c.112C>T (p.Gln38Ter)

Gene: DLD (dihydrolipoamide dehydrogenase; plus strand). Cytogenetic location: 7q31.1.
Variant type: single nucleotide variant.
Coding change: c.112C>T on transcript NM_000108.5 (MANE Select); coding-DNA position 112, C replaced by T.
Protein change: p.Gln38Ter; replaces glutamine 38 with a stop codon.
Molecular consequence: nonsense. On other transcripts: 5 prime UTR variant (1).
Genome position (GRCh38, 1-based): chr7:107,893,272, C>T. VCF-style: chr7-107893272-C-T. GRCh37 (hg19) VCF-style: chr7-107533717-C-T.
Other names: c.-37C>T (NM_001289750.1); c.112C>T, p.Gln38Ter (NM_001289751.1, NM_001289752.1); short protein forms Q38*.
Identifiers: ClinVar variation 370700 (VCV000370700.14), dbSNP rs1057516698, ClinGen allele CA16041121.

ClinVar aggregate classification (germline): Pathogenic. Review status: criteria provided, single submitter (1 of 4 stars). 2 submissions from 2 submitters: Pathogenic (1). 1 of the submissions does not count toward it. Last evaluated 2019-07-02.

Conditions:
Pyruvate dehydrogenase E3 deficiency (DLDD). Also called: Dihydrolipoamide Dehydrogenase (E3) Deficiency; MAPLE SYRUP URINE DISEASE, TYPE III; Dihydrolipoamide Dehydrogenase E3 Deficiency; Lipoamide dehydrogenase deficiency; Lipoamide dehydrogenase deficiency, lactic acidosis due to; Dihydrolipoamide Dehydrogenase Deficiency. Identifiers: Orphanet 2394, Orphanet 765, MedGen C5574660, MONDO:0009529, OMIM 246900.

Submissions (2):

Labcorp Genetics (formerly Invitae), Labcorp
Classification: Pathogenic for Pyruvate dehydrogenase E3 deficiency. Last evaluated: 2019-07-02. Review status: criteria provided, single submitter. Criteria: Invitae Variant Classification Sherloc (09022015). Collection method: clinical testing. Allele origin: germline.
Comment: This sequence change creates a premature translational stop signal (p.Gln38*) in the DLD gene. It is expected to result in an absent or disrupted protein product. This variant is not present in population databases (ExAC no frequency). This variant has not been reported in the literature in individuals with DLD-related conditions. ClinVar contains an entry for this variant (Variation ID: 370700). Loss-of-function variants in DLD are known to be pathogenic (PMID: 8968745, 9934985). For these reasons, this variant has been classified as Pathogenic.

Counsyl
Classification: Likely pathogenic for Pyruvate dehydrogenase E3 deficiency. Last evaluated: 2016-03-24. Review status: no assertion criteria provided. Collection method: clinical testing. Allele origin: unknown. Not counted in ClinVar's aggregate classification.

Literature cited by the submitters: PubMed 8968745 (cited by Labcorp Genetics (formerly Invitae), Labcorp); PubMed 9934985 (cited by Labcorp Genetics (formerly Invitae), Labcorp).